The following is an entry in ClinVar:

NM_001184880.2(PCDH19):c.2384del (p.Glu795fs)

Genes: PCDH19 (protocadherin 19; minus strand), LOC125467768 (CDK7 strongly-dependent group 2 enhancer GRCh37_chrX:99657381-99658580; plus strand). Cytogenetic location: Xq22.1.
Variant type: Deletion.
Coding change: c.2384del on transcript NM_001184880.2 (MANE Select); coding-DNA position 2384, one base deleted (A; older notation c.2384delA).
Protein change: p.Glu795fs; shifts the reading frame from glutamic acid 795.
Molecular consequence: frameshift variant.
Genome position (GRCh38, 1-based): chrX:100,402,756, T deleted on the plus strand (A on the coding strand, the reverse complement: PCDH19 is on the minus strand). VCF-style (leftmost placement, unchanged base first): chrX-100402755-CT-C. GRCh37 (hg19) VCF-style: chrX-99657753-CT-C.
Other names: c.2243del, p.Glu748fs (NM_001105243.2, NM_020766.3); short protein forms E795fs, E748fs.
Identifiers: ClinVar variation 206370 (VCV000206370.1), dbSNP rs796052844, ClinGen allele CA316429.

ClinVar aggregate classification (germline): Pathogenic (1 of 4 stars; one submission).

Submission:

GeneDx
Classification: Pathogenic. Last evaluated: 2015-01-15. Review status: criteria provided, single submitter. Criteria: GeneDx Variant Classification (06012015). Collection method: clinical testing. Allele origin: germline. Affected: yes.
Comment: This variant is denoted c.2243delA: p.Glu748GlyfsX5 (E748GfsX5) in exon 2 of the PCDH19 gene (NM_001105243.1). The surrounding sequence with the base that is deleted in braces is: GAGG{A}GACA. The c.2243delA mutation in the PCDH19 gene causes a frameshift starting with codon Glutamic acid 748, changes this amino acid to a Glycine residue and creates a premature Stop codon at position 5 of the new reading frame, denoted p.Glu748GlyfsX5. This mutation is predicted to cause loss of normal protein function either through protein truncation or nonsense-mediated mRNA decay. Although this mutation has not been previously reported to our knowledge, its presence is consistent with a diagnosis of a PCDH19-related disorder. The variant is found in PCDH19,EPILEPSYV2-1 panel(s).